The following is an entry in ClinVar:

ClinVar aggregate classification (germline): Likely benign. Review status: criteria provided, single submitter (1 of 4 stars). 2 submissions from 2 submitters: Likely benign (1). 1 of the submissions does not count toward it. Last evaluated 2024-09-23.

Conditions:
KDM6B-related disorder. Also called: KDM6B-related condition.

Allele frequency attached by ClinVar (database versions not stated): TOPMed 0.00003; gnomAD 0.00017; gnomAD exomes 0.00035; ExAC 0.00069; 1000 Genomes Project 30x 0.00078; 1000 Genomes Project 0.00100.
gnomAD v4.1: 523 of 1,612,152 alleles (0.032%); highest among the groups gnomAD compares: South Asian, 0.53%; 6 homozygotes.

Submissions (2):

Blueprint Genetics
Classification: Likely benign. Last evaluated: 2024-09-23. Review status: criteria provided, single submitter. Criteria: ACMG Guidelines, 2015. Collection method: clinical testing. Allele origin: germline.

PreventionGenetics, part of Exact Sciences
Classification: Benign for KDM6B-related condition. Last evaluated: 2021-02-24. Review status: no assertion criteria provided. Collection method: clinical testing. Allele origin: germline. Not counted in ClinVar's aggregate classification.
Comment: This variant is classified as benign based on ACMG/AMP sequence variant interpretation guidelines (Richards et al. 2015 PMID: 25741868, with internal and published modifications).

NM_001348716.2(KDM6B):c.2539G>A (p.Ala847Thr)

Gene: KDM6B (lysine demethylase 6B; plus strand). Cytogenetic location: 17p13.1.
Variant type: single nucleotide variant.
Coding change: c.2539G>A on transcript NM_001348716.2 (MANE Select); coding-DNA position 2539, G replaced by A.
Protein change: p.Ala847Thr; replaces alanine 847 with threonine.
Molecular consequence: missense variant.
Genome position (GRCh38, 1-based): chr17:7,848,827, G>A. VCF-style: chr17-7848827-G-A. GRCh37 (hg19) VCF-style: chr17-7752145-G-A.
Other names: c.2539G>A, p.Ala847Thr (NM_001080424.2); short protein forms A847T.
Identifiers: ClinVar variation 3051834 (VCV003051834.3), dbSNP rs544407908, ClinGen allele CA8360933.
Genomic context (GRCh38, chr17:7,848,827, plus strand): 5'-ACCCGGCCTGGGCCCTTGCCCACCACTCAGTATTCCCCTGGCCCCCCATCAGGTGCTACC[G>A]CCCTGCCGCCCACCTCAGCGGCCCCTAGCGCCCAGGGCTCCCCACAGCCCTCTGCTTCCT-3'
Protein context (NP_001335645.1, residues 837-857): YSPGPPSGAT[Ala847Thr]LPPTSAAPSA